The following is an entry in ClinVar:

NM_001009944.3(PKD1):c.1856C>T (p.Pro619Leu)

Gene: PKD1 (polycystin 1, transient receptor potential channel interacting; minus strand). Cytogenetic location: 16p13.3.
Variant type: single nucleotide variant.
Coding change: c.1856C>T on transcript NM_001009944.3 (MANE Select); coding-DNA position 1856, C replaced by T.
Protein change: p.Pro619Leu; replaces proline 619 with leucine.
Molecular consequence: missense variant.
Genome position (GRCh38, 1-based): chr16:2,115,619, G>A on the plus strand (C>T on the coding strand, the complement: PKD1 is on the minus strand). VCF-style: chr16-2115619-G-A. GRCh37 (hg19) VCF-style: chr16-2165620-G-A.
Other names: c.1856C>T, p.Pro619Leu (NM_000296.4); short protein forms P619L.
Identifiers: ClinVar variation 3579716 (VCV003579716.2).

ClinVar aggregate classification (germline): Conflicting classifications of pathogenicity. Review status: criteria provided, conflicting classifications (1 of 4 stars). 2 submissions from 2 submitters: Uncertain significance (1); Likely benign (1). Last evaluated 2026-02-12.

Conditions:
PKD1-related disorder. Also called: PKD1-related condition.
Polycystic kidney disease, adult type (PKD1). Also called: Polycystic Kidney Disease 1, Autosomal Dominant; Polycystic kidney disease 1; Polycystic kidney disease 1, severe; Polycystic Kidney, Autosomal Dominant; POLYCYSTIC KIDNEY DISEASE, ADULT, TYPE I; POLYCYSTIC KIDNEY DISEASE 1 WITH OR WITHOUT POLYCYSTIC LIVER DISEASE. Identifiers: MedGen C3149841, MONDO:0008263, OMIM 173900.

gnomAD v4.1: 51 of 1,600,688 alleles (0.0032%); highest among the groups gnomAD compares: African/African-American, 0.016%; no homozygotes.

Submissions (2):

PreventionGenetics, part of Exact Sciences
Classification: Uncertain significance for PKD1-related condition. Last evaluated: 2026-02-12. Review status: criteria provided, single submitter. Criteria: ACMG Guidelines, 2015. Collection method: clinical testing. Allele origin: germline.
Comment: The PKD1 c.1856C>T variant is predicted to result in the amino acid substitution p.Pro619Leu. To our knowledge, this variant has not been reported in the literature. This variant is reported in 0.019% of alleles in individuals of African descent in gnomAD. Although we suspect that this variant may be benign, at this time, the clinical significance of this variant is uncertain due to the absence of conclusive functional and genetic evidence.

Fulgent Genetics
Classification: Likely benign for Polycystic kidney disease, adult type. Last evaluated: 2024-04-09. Review status: criteria provided, single submitter. Criteria: ACMG Guidelines, 2015. Collection method: clinical testing. Allele origin: germline.